The following is an entry in ClinVar:

ClinVar aggregate classification (germline): Likely benign. Review status: criteria provided, multiple submitters, no conflicts (2 of 4 stars). 3 submissions from 3 submitters: Likely benign (2). 1 of the submissions does not count toward it. Last evaluated 2022-11-17.

Conditions:
EMD-related disorder. Also called: EMD-related condition.
X-linked Emery-Dreifuss muscular dystrophy. Also called: Muscular dystrophy, tardive Emery-Dreifuss type, with contractures. Identifiers: Orphanet 261, Orphanet 98863, MedGen C0751337, MONDO:0010680.

Submissions (3):

Labcorp Genetics (formerly Invitae), Labcorp
Classification: Likely benign for X-linked Emery-Dreifuss muscular dystrophy. Last evaluated: 2022-11-17. Review status: criteria provided, single submitter. Criteria: Invitae Variant Classification Sherloc (09022015). Collection method: clinical testing. Allele origin: germline.

GeneDx
Classification: Likely benign. Last evaluated: 2020-04-14. Review status: criteria provided, single submitter. Criteria: GeneDx Variant Classification Process June 2021. Collection method: clinical testing. Allele origin: germline. Affected: yes.
Comment: This variant is associated with the following publications: (PMID: 9536090, 9195226)

PreventionGenetics, part of Exact Sciences
Classification: Likely benign for EMD-related condition. Last evaluated: 2023-06-26. Review status: no assertion criteria provided. Collection method: clinical testing. Allele origin: germline. Not counted in ClinVar's aggregate classification.
Comment: This variant is classified as likely benign based on ACMG/AMP sequence variant interpretation guidelines (Richards et al. 2015 PMID: 25741868, with internal and published modifications).

NM_000117.3(EMD):c.-161CAACGATTCGGCTGTGACGCGA[1]

Gene: EMD (emerin; plus strand). Cytogenetic location: Xq28.
Variant type: Microsatellite.
Coding change: c.-161CAACGATTCGGCTGTGACGCGA[1] on transcript NM_000117.3 (MANE Select); one copy of the 22-base unit CAACGATTCGGCTGTGACGCGA starting at c.-161; the reference has two copies in a row; one copy, 22 bases deleted.
Molecular consequence: 5 prime UTR variant.
Genome position (GRCh38, 1-based): chrX:154,379,346-154,379,367, CAACGATTCGGCTGTGACGCGA deleted; deleting any 22 consecutive bases within chrX:154,379,315-154,379,367 gives the same sequence; the position shown is the placement nearest the transcript's 3' end. VCF-style (leftmost placement, unchanged base first): chrX-154379314-CGTGACGCGACAACGATTCGGCT-C. GRCh37 (hg19) VCF-style: chrX-153607674-CGTGACGCGACAACGATTCGGCT-C.
Other names: c.-139_-118del22 (NM_000117.2).
Identifiers: ClinVar variation 1215766 (VCV001215766.10), dbSNP rs1463296648, ClinGen allele CA645171827.